The following is an entry in ClinVar:

NM_002546.4(TNFRSF11B):c.623G>C (p.Arg208Thr)

Gene: TNFRSF11B (TNF receptor superfamily member 11b; minus strand). Cytogenetic location: 8q24.12.
Variant type: single nucleotide variant.
Coding change: c.623G>C on transcript NM_002546.4 (MANE Select); coding-DNA position 623, G replaced by C.
Protein change: p.Arg208Thr; replaces arginine 208 with threonine.
Molecular consequence: missense variant.
Genome position (GRCh38, 1-based): chr8:118,926,688, C>G on the plus strand (G>C on the coding strand, the complement: TNFRSF11B is on the minus strand). VCF-style: chr8-118926688-C-G. GRCh37 (hg19) VCF-style: chr8-119938927-C-G.
Other names: short protein forms R208T.
Identifiers: ClinVar variation 2964405 (VCV002964405.3), dbSNP rs766836970, ClinGen allele CA4854862.

ClinVar aggregate classification (germline): Uncertain significance (1 of 4 stars; one submission).

Allele frequency attached by ClinVar (database versions not stated): TOPMed below 0.00001; ExAC 0.00006.

Submission:

Labcorp Genetics (formerly Invitae), Labcorp
Classification: Uncertain significance. Last evaluated: 2024-09-10. Review status: criteria provided, single submitter. Criteria: Invitae Variant Classification Sherloc (09022015). Collection method: clinical testing. Allele origin: germline.
Comment: This sequence change replaces arginine, which is basic and polar, with threonine, which is neutral and polar, at codon 208 of the TNFRSF11B protein (p.Arg208Thr). This variant is present in population databases (rs766836970, gnomAD 0.01%). This variant has not been reported in the literature in individuals affected with TNFRSF11B-related conditions. Invitae Evidence Modeling of protein sequence and biophysical properties (such as structural, functional, and spatial information, amino acid conservation, physicochemical variation, residue mobility, and thermodynamic stability) indicates that this missense variant is not expected to disrupt TNFRSF11B protein function with a negative predictive value of 80%. In summary, the available evidence is currently insufficient to determine the role of this variant in disease. Therefore, it has been classified as a Variant of Uncertain Significance.